The following is an entry in ClinVar:

NM_004360.5(CDH1):c.578C>T (p.Thr193Ile)

Gene: CDH1 (cadherin 1; plus strand). Cytogenetic location: 16q22.1.
Variant type: single nucleotide variant.
Coding change: c.578C>T on transcript NM_004360.5 (MANE Select); coding-DNA position 578, C replaced by T.
Protein change: p.Thr193Ile; replaces threonine 193 with isoleucine.
Molecular consequence: missense variant. On other transcripts: 5 prime UTR variant (2).
Genome position (GRCh38, 1-based): chr16:68,808,739, C>T. VCF-style: chr16-68808739-C-T. GRCh37 (hg19) VCF-style: chr16-68842642-C-T.
Other names: c.578C>T, p.Thr193Ile (NM_001317184.2); c.-1038C>T (NM_001317185.2); c.-1242C>T (NM_001317186.2); short protein forms T193I.
Identifiers: ClinVar variation 923390 (VCV000923390.12), dbSNP rs970086859, ClinGen allele CA283297131.

ClinVar aggregate classification (germline): Uncertain significance. Review status: criteria provided, multiple submitters, no conflicts (2 of 4 stars). 3 submissions from 3 submitters: Uncertain significance (3). Last evaluated 2024-08-27.

Conditions:
Hereditary cancer-predisposing syndrome. Also called: Hereditary Cancer Syndrome; Hereditary neoplastic syndrome; Neoplastic Syndromes, Hereditary; Tumor predisposition. Identifiers: Orphanet 140162, MedGen C0027672, MeSH D009386, MONDO:0015356.
Hereditary diffuse gastric adenocarcinoma (HDGC). Also called: DIFFUSE GASTRIC AND LOBULAR BREAST CANCER SYNDROME. Identifiers: Orphanet 26106, MedGen C1708349, MONDO:0007648, OMIM 137215.

Allele frequency attached by ClinVar (database versions not stated): gnomAD exomes below 0.00001; TOPMed below 0.00001.
gnomAD v4.1: 1 of 1,614,172 alleles (0.000062%); highest among the groups gnomAD compares: Non-Finnish European, 0.000085%; no homozygotes.

Submissions (3):

Labcorp Genetics (formerly Invitae), Labcorp
Classification: Uncertain significance for Hereditary diffuse gastric adenocarcinoma. Last evaluated: 2024-08-27. Review status: criteria provided, single submitter. Criteria: Invitae Variant Classification Sherloc (09022015). Collection method: clinical testing. Allele origin: germline.
Comment: This sequence change replaces threonine, which is neutral and polar, with isoleucine, which is neutral and non-polar, at codon 193 of the CDH1 protein (p.Thr193Ile). This variant is not present in population databases (gnomAD no frequency). This variant has not been reported in the literature in individuals affected with CDH1-related conditions. ClinVar contains an entry for this variant (Variation ID: 923390). An algorithm developed to predict the effect of missense changes on protein structure and function (PolyPhen-2) suggests that this variant is likely to be disruptive. In summary, the available evidence is currently insufficient to determine the role of this variant in disease. Therefore, it has been classified as a Variant of Uncertain Significance.

Color Diagnostics, LLC DBA Color Health
Classification: Uncertain significance for Hereditary cancer-predisposing syndrome. Last evaluated: 2024-03-06. Review status: criteria provided, single submitter. Criteria: ACMG Guidelines, 2015. Collection method: clinical testing. Allele origin: germline.
Comment: This missense variant replaces threonine with isoleucine at codon 193 of the CDH1 protein. Computational prediction tool suggests that this variant may not impact protein structure and function (internally defined REVEL score threshold <=0.5, PMID: 27666373). Splice site prediction tools suggest that this variant may not impact RNA splicing. To our knowledge, functional studies have not been performed for this variant. This variant has not been reported in individuals affected with hereditary cancer in the literature. This variant has not been identified in the general population by the Genome Aggregation Database (gnomAD). The available evidence is insufficient to determine the role of this variant in disease conclusively. Therefore, this variant is classified as a Variant of Uncertain Significance.

Ambry Genetics
Classification: Uncertain significance for Hereditary cancer-predisposing syndrome. Last evaluated: 2021-12-30. Review status: criteria provided, single submitter. Criteria: Ambry Variant Classification Scheme 2023. Collection method: clinical testing. Allele origin: germline.
Comment: The p.T193I variant (also known as c.578C>T), located in coding exon 5 of the CDH1 gene, results from a C to T substitution at nucleotide position 578. The threonine at codon 193 is replaced by isoleucine, an amino acid with similar properties. This amino acid position is highly conserved in available vertebrate species. In addition, the in silico prediction for this alteration is inconclusive. Since supporting evidence is limited at this time, the clinical significance of this alteration remains unclear.